The following is an entry in ClinVar:

NM_207111.4(RNF216):c.1397C>G (p.Ser466Cys)

Gene: RNF216 (ring finger protein 216; minus strand). Cytogenetic location: 7p22.1.
Variant type: single nucleotide variant.
Coding change: c.1397C>G on transcript NM_207111.4 (MANE Select); coding-DNA position 1397, C replaced by G.
Protein change: p.Ser466Cys; replaces serine 466 with cysteine.
Molecular consequence: missense variant.
Genome position (GRCh38, 1-based): chr7:5,725,431, G>C on the plus strand (C>G on the coding strand, the complement: RNF216 is on the minus strand). VCF-style: chr7-5725431-G-C. GRCh37 (hg19) VCF-style: chr7-5765062-G-C.
Other names: c.1226C>G, p.Ser409Cys (NM_001377156.1, NM_207116.3); c.1397C>G (NM_207111.3); short protein forms S466C, S409C.
Identifiers: ClinVar variation 1520084 (VCV001520084.8), dbSNP rs778272977, ClinGen allele CA4148204.

ClinVar aggregate classification (germline): Uncertain significance. Review status: criteria provided, multiple submitters, no conflicts (2 of 4 stars). 2 submissions from 2 submitters: Uncertain significance (2). Last evaluated 2024-06-17.

Conditions:
Inborn genetic diseases. Identifiers: MedGen C0950123, MeSH D030342.

Allele frequency attached by ClinVar (database versions not stated): ExAC 0.00001; gnomAD exomes 0.00001; TOPMed 0.00001.
gnomAD v4.1: 20 of 1,592,550 alleles (0.0013%); highest among the groups gnomAD compares: Admixed American, 0.0051%; no homozygotes.

Submissions (2):

Ambry Genetics
Classification: Uncertain significance for Inborn genetic diseases. Last evaluated: 2024-06-17. Review status: criteria provided, single submitter. Criteria: Ambry Variant Classification Scheme 2023. Collection method: clinical testing. Allele origin: germline.

Labcorp Genetics (formerly Invitae), Labcorp
Classification: Uncertain significance. Last evaluated: 2022-11-22. Review status: criteria provided, single submitter. Criteria: Invitae Variant Classification Sherloc (09022015). Collection method: clinical testing. Allele origin: germline.
Comment: This sequence change replaces serine, which is neutral and polar, with cysteine, which is neutral and slightly polar, at codon 466 of the RNF216 protein (p.Ser466Cys). This variant is present in population databases (rs778272977, gnomAD 0.006%). This variant has not been reported in the literature in individuals affected with RNF216-related conditions. ClinVar contains an entry for this variant (Variation ID: 1520084). Algorithms developed to predict the effect of missense changes on protein structure and function are either unavailable or do not agree on the potential impact of this missense change (SIFT: "Tolerated"; PolyPhen-2: "Probably Damaging"; Align-GVGD: "Class C0"). In summary, the available evidence is currently insufficient to determine the role of this variant in disease. Therefore, it has been classified as a Variant of Uncertain Significance.